The following is an entry in ClinVar:

NM_153240.5(NPHP3):c.1550T>C (p.Val517Ala)

Genes: NPHP3 (nephrocystin 3; minus strand), NPHP3-ACAD11 (NPHP3-ACAD11 readthrough (NMD candidate); minus strand). Cytogenetic location: 3q22.1.
Variant type: single nucleotide variant.
Coding change: c.1550T>C on transcript NM_153240.5 (MANE Select); coding-DNA position 1550, T replaced by C.
Protein change: p.Val517Ala; replaces valine 517 with alanine.
Molecular consequence: missense variant. On other transcripts: non-coding transcript variant (1).
Genome position (GRCh38, 1-based): chr3:132,701,508, A>G on the plus strand (T>C on the coding strand, the complement: NPHP3 is on the minus strand). VCF-style: chr3-132701508-A-G. GRCh37 (hg19) VCF-style: chr3-132420352-A-G.
Other names: short protein forms V517A.
Identifiers: ClinVar variation 2430844 (VCV002430844.1), dbSNP rs1939605111, ClinGen allele CA354583564.

ClinVar aggregate classification (germline): Uncertain significance (1 of 4 stars; one submission).

Allele frequency attached by ClinVar (database versions not stated): gnomAD exomes below 0.00001; TOPMed below 0.00001; gnomAD 0.00001.
gnomAD v4.1: 4 of 1,613,556 alleles (0.00025%); highest among the groups gnomAD compares: Non-Finnish European, 0.00025%; no homozygotes.

Submission:

GeneDx
Classification: Uncertain significance. Last evaluated: 2023-02-14. Review status: criteria provided, single submitter. Criteria: GeneDx Variant Classification Process June 2021. Collection method: clinical testing. Allele origin: germline. Affected: yes.
Comment: Not observed at significant frequency in large population cohorts (gnomAD); In silico analysis supports that this missense variant does not alter protein structure/function; Has not been previously published as pathogenic or benign to our knowledge